The following is an entry in ClinVar:

ClinVar aggregate classification (germline): Uncertain significance (1 of 4 stars; one submission).

Conditions:
Cone-rod dystrophy 13 (CORD13). Identifiers: Orphanet 1872, MedGen C2750720, MONDO:0011987, OMIM 608194.
Leber congenital amaurosis 6 (LCA6). Identifiers: Orphanet 65, MedGen C1854260, MONDO:0013446, OMIM 613826.

Allele frequency attached by ClinVar (database versions not stated): gnomAD 0.00001; gnomAD exomes 0.00002; TOPMed 0.00002.
gnomAD v4.1: 29 of 1,613,600 alleles (0.0018%); highest among the groups gnomAD compares: Admixed American, 0.013%; no homozygotes.

Submission:

Labcorp Genetics (formerly Invitae), Labcorp
Classification: Uncertain significance for Leber congenital amaurosis 6; Cone-rod dystrophy 13. Last evaluated: 2022-09-27. Review status: criteria provided, single submitter. Criteria: Invitae Variant Classification Sherloc (09022015). Collection method: clinical testing. Allele origin: germline.
Comment: In summary, the available evidence is currently insufficient to determine the role of this variant in disease. Therefore, it has been classified as a Variant of Uncertain Significance. Advanced modeling of protein sequence and biophysical properties (such as structural, functional, and spatial information, amino acid conservation, physicochemical variation, residue mobility, and thermodynamic stability) performed at Invitae indicates that this missense variant is not expected to disrupt RPGRIP1 protein function. This variant has not been reported in the literature in individuals affected with RPGRIP1-related conditions. This variant is present in population databases (no rsID available, gnomAD 0.009%). This sequence change replaces glycine, which is neutral and non-polar, with aspartic acid, which is acidic and polar, at codon 978 of the RPGRIP1 protein (p.Gly978Asp).

NM_020366.4(RPGRIP1):c.2933G>A (p.Gly978Asp)

Gene: RPGRIP1 (RPGR interacting protein 1; plus strand). Cytogenetic location: 14q11.2.
Variant type: single nucleotide variant.
Coding change: c.2933G>A on transcript NM_020366.4 (MANE Select); coding-DNA position 2933, G replaced by A.
Protein change: p.Gly978Asp; replaces glycine 978 with aspartic acid.
Molecular consequence: missense variant.
Genome position (GRCh38, 1-based): chr14:21,328,461, G>A. VCF-style: chr14-21328461-G-A. GRCh37 (hg19) VCF-style: chr14-21796620-G-A.
Other names: c.911G>A, p.Gly304Asp (NM_001377523.1, NM_001377950.1); c.1859G>A, p.Gly620Asp (NM_001377948.1); c.1019G>A, p.Gly340Asp (NM_001377949.1); c.413G>A, p.Gly138Asp (NM_001377951.1); short protein forms G978D, G340D, G138D, G620D, G304D.
Identifiers: ClinVar variation 2081689 (VCV002081689.4), dbSNP rs995654544, ClinGen allele CA257536359.